The following is an entry in ClinVar:

ClinVar aggregate classification (germline): Uncertain significance (1 of 4 stars; one submission).

Submission:

Labcorp Genetics (formerly Invitae), Labcorp
Classification: Uncertain significance. Last evaluated: 2024-02-17. Review status: criteria provided, single submitter. Criteria: Invitae Variant Classification Sherloc (09022015). Collection method: clinical testing. Allele origin: germline.
Comment: This variant, c.3286_3309del, results in the deletion of 8 amino acid(s) of the AEBP1 protein (p.Glu1096_Thr1103del), but otherwise preserves the integrity of the reading frame. This variant is not present in population databases (gnomAD no frequency). This variant has not been reported in the literature in individuals affected with AEBP1-related conditions. ClinVar contains an entry for this variant (Variation ID: 1962185). Experimental studies and prediction algorithms are not available or were not evaluated, and the functional significance of this variant is currently unknown. In summary, the available evidence is currently insufficient to determine the role of this variant in disease. Therefore, it has been classified as a Variant of Uncertain Significance.

NM_001129.5(AEBP1):c.3286_3309del (p.Glu1096_Thr1103del)

Gene: AEBP1 (AE binding protein 1; plus strand). Cytogenetic location: 7p13.
Variant type: Deletion.
Coding change: c.3286_3309del on transcript NM_001129.5 (MANE Select); coding-DNA positions 3286 to 3309, 24 bases deleted (GAGGTGGAGCCCGAGTTTGGGACC).
Protein change: p.Glu1096_Thr1103del.
Molecular consequence: inframe deletion.
Genome position (GRCh38, 1-based): chr7:44,114,070-44,114,093, GAGGTGGAGCCCGAGTTTGGGACC deleted; deleting any 24 consecutive bases within chr7:44,114,058-44,114,093 gives the same sequence; the c. name uses the placement nearest the transcript's 3' end. VCF-style (leftmost placement, unchanged base first): chr7-44114057-AGAGTTTGGGACCGAGGTGGAGCCC-A. GRCh37 (hg19) VCF-style: chr7-44153656-AGAGTTTGGGACCGAGGTGGAGCCC-A.
Identifiers: ClinVar variation 1962185 (VCV001962185.5), dbSNP rs1196399014, ClinGen allele CA574226124.
Genomic context (GRCh38, chr7:44,114,057, plus strand): 5'-ACCGCCAACCACCGCTGGCTGGGAGGAGTCGGAGACTGAGACCTACACAGAGGTGGTGAC[AGAGTTTGGGACCGAGGTGGAGCCC>A]GAGTTTGGGACCAAGGTGGAGCCCGAGTTTGAGACCCAGTTGGAGCCTGAGTTTGAGACC-3'